The following is an entry in ClinVar:

ClinVar aggregate classification (germline): Likely benign. Review status: criteria provided, multiple submitters, no conflicts (2 of 4 stars). 2 submissions from 2 submitters: Likely benign (2). Last evaluated 2026-03-01.

Conditions:
Episodic ataxia type 1 (EA1). Also called: Episodic ataxia/myokymia syndrome; ATAXIA, EPISODIC, WITH MYOKYMIA; MYOKYMIA WITH PERIODIC ATAXIA; PAROXYSMAL ATAXIA WITH NEUROMYOTONIA, HEREDITARY. Identifiers: Orphanet 37612, Orphanet 972, MedGen C1719788, MONDO:0008047, OMIM 160120.

Allele frequency attached by ClinVar (database versions not stated): ExAC 0.00001; gnomAD exomes 0.00001.
gnomAD v4.1: 4 of 1,613,642 alleles (0.00025%); highest among the groups gnomAD compares: Admixed American, 0.0067%; no homozygotes.

Submissions (2):

CeGaT Center for Human Genetics Tuebingen
Classification: Likely benign. Last evaluated: 2026-03-01. Review status: criteria provided, single submitter. Criteria: CeGaT Center For Human Genetics Tuebingen Variant Classification Criteria Version 2. Collection method: clinical testing. Allele origin: germline. Affected: yes. Observed: 1 variant allele.
Comment: KCNA1: BP4

Labcorp Genetics (formerly Invitae), Labcorp
Classification: Likely benign for Episodic ataxia type 1. Last evaluated: 2021-05-08. Review status: criteria provided, single submitter. Criteria: Invitae Variant Classification Sherloc (09022015). Collection method: clinical testing. Allele origin: germline.

NM_000217.3(KCNA1):c.783C>T (p.Ala261=)

Gene: KCNA1 (potassium voltage-gated channel subfamily A member 1; plus strand). Cytogenetic location: 12p13.32.
Variant type: single nucleotide variant.
Coding change: c.783C>T on transcript NM_000217.3 (MANE Select); coding-DNA position 783, C replaced by T.
Protein change: p.Ala261=; no amino-acid change (alanine 261 retained).
Molecular consequence: synonymous variant.
Genome position (GRCh38, 1-based): chr12:4,912,161, C>T. VCF-style: chr12-4912161-C-T. GRCh37 (hg19) VCF-style: chr12-5021327-C-T.
Identifiers: ClinVar variation 1593434 (VCV001593434.12), dbSNP rs765825652, ClinGen allele CA6399430.